The following is an entry in ClinVar:

NM_004928.3(CFAP410):c.218G>A (p.Arg73His)

Gene: CFAP410 (cilia and flagella associated protein 410; minus strand). Cytogenetic location: 21q22.3.
Variant type: single nucleotide variant.
Coding change: c.218G>A on transcript NM_004928.3 (MANE Select); coding-DNA position 218, G replaced by A.
Protein change: p.Arg73His; replaces arginine 73 with histidine.
Molecular consequence: missense variant.
Genome position (GRCh38, 1-based): chr21:44,333,188, C>T on the plus strand (G>A on the coding strand, the complement: CFAP410 is on the minus strand). VCF-style: chr21-44333188-C-T. GRCh37 (hg19) VCF-style: chr21-45753071-C-T.
Other names: c.218G>A, p.Arg73His (NM_001271440.2, NM_001271441.2); c.95G>A, p.Arg32His (NM_001271442.1); short protein forms R32H, R73H.
Identifiers: ClinVar variation 1053006 (VCV001053006.5), dbSNP rs140451304, ClinGen allele CA10053759.

ClinVar aggregate classification (germline): Uncertain significance. Review status: criteria provided, multiple submitters, no conflicts (2 of 4 stars). 2 submissions from 2 submitters: Uncertain significance (2). Last evaluated 2024-08-12.

gnomAD v4.1: 40 of 1,612,638 alleles (0.0025%); highest among the groups gnomAD compares: Middle Eastern, 0.016%; no homozygotes.

Submissions (2):

Blueprint Genetics
Classification: Uncertain significance. Last evaluated: 2024-08-12. Review status: criteria provided, single submitter. Criteria: ACMG Guidelines, 2015. Collection method: clinical testing. Allele origin: germline.

Labcorp Genetics (formerly Invitae), Labcorp
Classification: Uncertain significance. Last evaluated: 2021-12-01. Review status: criteria provided, single submitter. Criteria: Invitae Variant Classification Sherloc (09022015). Collection method: clinical testing. Allele origin: germline.
Comment: This sequence change replaces arginine, which is basic and polar, with histidine, which is basic and polar, at codon 73 of the CFAP410 protein (p.Arg73His). The frequency data for this variant in the population databases is considered unreliable, as metrics indicate poor data quality at this position in the gnomAD database. This variant has not been reported in the literature in individuals affected with CFAP410-related conditions. ClinVar contains an entry for this variant (Variation ID: 1053006). Algorithms developed to predict the effect of missense changes on protein structure and function output the following: SIFT: "Tolerated"; PolyPhen-2: "Benign"; Align-GVGD: "Class C0". The histidine amino acid residue is found in multiple mammalian species, which suggests that this missense change does not adversely affect protein function. This variant disrupts the p.Arg73 amino acid residue in CFAP410. Other variant(s) that disrupt this residue have been determined to be pathogenic (PMID: 26167768, 26974433, 27596865, 28041643). This suggests that this residue is clinically significant, and that variants that disrupt this residue are likely to be disease-causing. In summary, the available evidence is currently insufficient to determine the role of this variant in disease. Therefore, it has been classified as a Variant of Uncertain Significance.

Literature cited by the submitters: PubMed 26167768 (cited by Labcorp Genetics (formerly Invitae), Labcorp); PubMed 26974433 (cited by Labcorp Genetics (formerly Invitae), Labcorp); PubMed 27596865 (cited by Labcorp Genetics (formerly Invitae), Labcorp); PubMed 28041643 (cited by Labcorp Genetics (formerly Invitae), Labcorp).